The following is an entry in ClinVar:

ClinVar aggregate classification (germline): Likely pathogenic. Review status: reviewed by expert panel (3 of 4 stars). 6 submissions from 6 submitters: Likely pathogenic (1). 5 of the submissions do not count toward it. Last evaluated 2019-06-21.

Conditions:
Hereditary nonpolyposis colorectal neoplasms. Identifiers: MedGen C0009405, MeSH D003123.
Mismatch repair cancer syndrome 3. Identifiers: MedGen C5436807, MONDO:0030841, OMIM 619097.
Endometrial carcinoma. Also called: Endometrial carcinoma, somatic. Identifiers: MedGen C0476089, MONDO:0002447, OMIM 608089, HP:0012114.
Lynch syndrome 5 (LYNCH5). Also called: Colorectal cancer, hereditary nonpolyposis, type 5; Hereditary non-polyposis colorectal cancer, type 5. Identifiers: Orphanet 144, MedGen C1833477, MONDO:0013710, OMIM 614350. Disease mechanism: loss of function.
Hereditary cancer-predisposing syndrome. Also called: Neoplastic Syndromes, Hereditary; Tumor predisposition; Hereditary Cancer Syndrome; Hereditary neoplastic syndrome. Identifiers: Orphanet 140162, MedGen C0027672, MeSH D009386, MONDO:0015356.
Lynch syndrome. Identifiers: Orphanet 144, MedGen C4552100, MONDO:0005835. Disease mechanism: loss of function.

Submissions (6):

International Society for Gastrointestinal Hereditary Tumours (InSiGHT)
Classification: Likely pathogenic for Lynch syndrome. Last evaluated: 2019-06-21. Review status: reviewed by expert panel. Criteria: Guidelines v2.4. Collection method: curation. Allele origin: germline. Affected: yes.
Comment: Interrupts canonical donor splice site

Ambry Genetics
Classification: Pathogenic for Hereditary cancer-predisposing syndrome. Last evaluated: 2025-10-03. Review status: criteria provided, single submitter. Criteria: Ambry Variant Classification Scheme 2023. Collection method: clinical testing. Allele origin: germline. Not counted in ClinVar's aggregate classification.
Comment: The c.3438+1G>A intronic pathogenic mutation results from a G to A substitution one nucleotide after coding exon 5 of the MSH6 gene. This variant was shown by minigene assay to result in out of frame skipping of exon 5 (van der Klift HM et al. Mol Genet Genomic Med, 2015 Jul;3:327-45). This nucleotide position is highly conserved in available vertebrate species. In silico splice site analysis predicts that this alteration will weaken the native splice donor site; however, direct evidence is insufficient at this time (Ambry internal data). Alterations that disrupt the canonical splice site are expected to cause aberrant splicing, resulting in an abnormal protein or a transcript that is subject to nonsense-mediated mRNA decay. Based on the supporting evidence, this alteration is interpreted as a disease-causing mutation.

Labcorp Genetics (formerly Invitae), Labcorp
Classification: Pathogenic for Hereditary nonpolyposis colorectal neoplasms. Last evaluated: 2025-08-04. Review status: criteria provided, single submitter. Criteria: Invitae Variant Classification Sherloc (09022015). Collection method: clinical testing. Allele origin: germline. Not counted in ClinVar's aggregate classification.
Comment: This sequence change affects a donor splice site in intron 5 of the MSH6 gene. It is expected to disrupt RNA splicing. Variants that disrupt the donor or acceptor splice site typically lead to a loss of protein function (PMID: 16199547), and loss-of-function variants in MSH6 are known to be pathogenic (PMID: 18269114, 24362816). This variant is not present in population databases (gnomAD no frequency). Disruption of this splice site has been observed in individuals with clinical features of Lynch syndrome (PMID: 17453009; internal data). ClinVar contains an entry for this variant (Variation ID: 89386). Studies have shown that disruption of this splice site alters mRNA splicing and is expected to lead to the loss of protein expression (PMID: 26247049; internal data). For these reasons, this variant has been classified as Pathogenic.

Quest Diagnostics Nichols Institute San Juan Capistrano
Classification: Pathogenic. Last evaluated: 2025-01-28. Review status: criteria provided, single submitter. Criteria: Quest Diagnostics criteria. Collection method: clinical testing. Allele origin: unknown. Not counted in ClinVar's aggregate classification.
Comment: The MSH6 c.3438+1G>A variant disrupts a canonical splice-donor site and interferes with normal MSH6 mRNA splicing. This variant has been reported in the published literature in individuals with Lynch syndrome and Lynch syndrome-associated cancers (PMID: 37435187 (2021), 34873870 (2022), 31983041 (2020), 17453009 (2007)). Functional studies demonstrated that this variant disrupted mRNA splicing (PMID: 26247049 (2015)). This variant has not been reported in large, multi-ethnic general populations (Genome Aggregation Database). Based on the available information, this variant is classified as pathogenic.

Myriad Genetics, Inc.
Classification: Likely pathogenic for Lynch syndrome 5. Last evaluated: 2023-08-23. Review status: criteria provided, single submitter. Criteria: Myriad Autosomal Dominant, Autosomal Recessive and X-Linked Classification Criteria (2023). Collection method: clinical testing. Allele origin: unknown. Not counted in ClinVar's aggregate classification.
Comment: This variant is considered likely pathogenic. This variant occurs within a consensus splice junction and is predicted to result in abnormal mRNA splicing of either an out-of-frame exon or an in-frame exon necessary for protein stability and/or normal function.

Juno Genomics, Hangzhou Juno Genomics, Inc
Classification: Pathogenic for Endometrial carcinoma; Lynch syndrome 5; Mismatch repair cancer syndrome 3. Review status: criteria provided, single submitter. Criteria: ACMG Guidelines, 2015. Collection method: clinical testing. Allele origin: germline. Not counted in ClinVar's aggregate classification.
Comment: Absent from controls (or at extremely low frequency if recessive) in Genome Aggregation Database.;Null variant in a gene where loss of function (LOF) is a known mechanism of disease.;Patient's phenotype or family history is highly specific for a disease with a single genetic etiology.

Literature cited by the submitters: PubMed 17453009 (cited by 3 submitters); PubMed 26247049 (cited by 3 submitters); PubMed 16199547 (cited by Labcorp Genetics (formerly Invitae), Labcorp); PubMed 18269114 (cited by Labcorp Genetics (formerly Invitae), Labcorp); PubMed 24362816 (cited by Labcorp Genetics (formerly Invitae), Labcorp); PubMed 37435187 (cited by Quest Diagnostics Nichols Institute San Juan Capistrano); PubMed 31983041 (cited by Quest Diagnostics Nichols Institute San Juan Capistrano); PubMed 34873870 (cited by Quest Diagnostics Nichols Institute San Juan Capistrano).

NM_000179.3(MSH6):c.3438+1G>A

Gene: MSH6 (mutS homolog 6; plus strand). Cytogenetic location: 2p16.3.
Variant type: single nucleotide variant.
Coding change: c.3438+1G>A on transcript NM_000179.3 (MANE Select); the canonical splice donor site of the intron after coding-DNA position 3438, G replaced by A.
Molecular consequence: splice donor variant.
Genome position (GRCh38, 1-based): chr2:47,803,686, G>A. VCF-style: chr2-47803686-G-A. GRCh37 (hg19) VCF-style: chr2-48030825-G-A.
Other names: c.3438+1G>A (NM_001406809.1, NM_001406796.1, NM_001406808.1 and 1 more transcripts); c.2532+1G>A (NM_001406811.1, NM_001406814.1, NM_001281493.2 and 6 more transcripts); c.3141+1G>A (NM_001406805.1, NM_001406797.1, NM_001406801.1 and 10 more transcripts); c.3534+1G>A (NM_001406795.1, NM_001406802.1); c.3444+1G>A (NM_001406813.1); c.2913+1G>A (NM_001406807.1, NM_001406799.1, NM_001406806.1); c.3264+1G>A (NM_001406798.1); c.2574+1G>A (NM_001406803.1); and 7 more.
Identifiers: ClinVar variation 89386 (VCV000089386.10), dbSNP rs267608096, ClinGen allele CA012865.